The following is an entry in ClinVar:

ClinVar aggregate classification (germline): Conflicting classifications of pathogenicity. Review status: criteria provided, conflicting classifications (1 of 4 stars). 9 submissions from 9 submitters: Uncertain significance (7); Likely benign (1). 1 of the submissions does not count toward it. Last evaluated 2026-08-24.

Conditions:
USH2A-related disorder. Also called: USH2A-related condition; USH2A-related disorders. Identifiers: MedGen CN239332.
Usher syndrome type 2A. Also called: USHER SYNDROME, TYPE IIA; RETINAL DISEASE IN USHER SYNDROME TYPE IIA, MODIFIER OF. Identifiers: Orphanet 231178, Orphanet 886, MedGen C1848634, MONDO:0010169, OMIM 276901.

Allele frequency attached by ClinVar (database versions not stated): 1000 Genomes Project 0.00020; ExAC 0.00023; ESP Exome Variant Server 0.00023; gnomAD exomes 0.00025; 1000 Genomes Project 30x 0.00031; gnomAD 0.00044 and 0.00047; TOPMed 0.00050.
gnomAD v4.1: 213 of 1,614,030 alleles (0.013%); highest among the groups gnomAD compares: African/African-American, 0.12%; no homozygotes.

Submissions (9):

PreventionGenetics, part of Exact Sciences
Classification: Uncertain significance for USH2A-related condition. Last evaluated: 2026-08-24. Review status: criteria provided, single submitter. Criteria: ACMG Guidelines, 2015. Collection method: clinical testing. Allele origin: germline.
Comment: The USH2A c.12241C>T variant is predicted to result in the amino acid substitution p.Arg4081Trp. This variant was reported in the compound heterozygous state in an individual with non-syndromic retinitis pigmentosa (Qu et al 2020. PubMed ID: 31904091). However, this variant is reported in 0.14% of alleles in individuals of African descent in gnomAD, which would be high for a causative variant. At this time, the clinical significance of this variant is uncertain due to the absence of conclusive functional and genetic evidence.

Labcorp Genetics (formerly Invitae), Labcorp
Classification: Likely benign. Last evaluated: 2026-01-28. Review status: criteria provided, single submitter. Criteria: Invitae Variant Classification Sherloc (09022015). Collection method: clinical testing. Allele origin: germline.

GeneDx
Classification: Uncertain significance. Last evaluated: 2025-01-21. Review status: criteria provided, single submitter. Criteria: GeneDx Variant Classification Process June 2021. Collection method: clinical testing. Allele origin: germline. Affected: yes.
Comment: Identified in a patient with retinitis pigmentosa in published literature, however the individual's second reported USH2A variant is currently classified as benign (PMID: 31904091); In silico analysis supports that this missense variant has a deleterious effect on protein structure/function; This variant is associated with the following publications: (PMID: 31904091)

Revvity Omics, Revvity
Classification: Uncertain significance. Last evaluated: 2024-02-15. Review status: criteria provided, single submitter. Criteria: ACMG Guidelines, 2015. Collection method: clinical testing. Allele origin: germline.

Blueprint Genetics
Classification: Uncertain significance. Last evaluated: 2023-06-06. Review status: criteria provided, single submitter. Criteria: ACMG Guidelines, 2015. Collection method: clinical testing. Allele origin: germline.

Women's Health and Genetics/Laboratory Corporation of America, LabCorp
Classification: Uncertain significance. Last evaluated: 2022-07-29. Review status: criteria provided, single submitter. Criteria: LabCorp Variant Classification Summary - May 2015. Collection method: clinical testing. Allele origin: germline.
Comment: Variant summary: USH2A c.12241C>T (p.Arg4081Trp) results in a non-conservative amino acid change located in the Fibronectin type III domain of the encoded protein sequence. Three of four in-silico tools predict a damaging effect of the variant on protein function. The variant allele was found at a frequency of 0.00025 in 251166 control chromosomes. This frequency is not significantly higher than expected for a pathogenic variant in USH2A causing Usher Syndrome (0.00025 vs 0.011), allowing no conclusion about variant significance. c.12241C>T has been reported in the literature in at least one individual affected with non-syndromic retinitis pigmentosa. This report does not provide unequivocal conclusions about association of the variant with Usher Syndrome. To our knowledge, no experimental evidence demonstrating an impact on protein function has been reported. Five clinical diagnostic laboratories have submitted clinical-significance assessments for this variant to ClinVar after 2014 without evidence for independent evaluation. Based on the evidence outlined above, the variant was classified as uncertain significance.

ARUP Laboratories, Molecular Genetics and Genomics, ARUP Laboratories
Classification: Uncertain significance. Last evaluated: 2017-12-29. Review status: criteria provided, single submitter. Criteria: ARUP Molecular Germline Variant Investigation Process. Collection method: clinical testing. Allele origin: germline.
Comment: The USH2A p.Arg4081Trp variant (rs144783615) has not been reported in the medical literature. However, the p.Arg4081Trp is listed in the Genome Aggregation Database (gnomAD) browser with an allele frequency of 0.14% in the African population (identified in 34 out of 24,020 chromosomes), and it is classified as a variant of uncertain significance in ClinVar (Variant ID: 229617). The arginine at codon 4081 is moderately conserved considering 12 species (Alamut software v2.10.0), and computational analyses predict that this variant does affect the structure/function of the USH2A protein (SIFT: damaging, PolyPhen2: possibly damaging, MutationTaster: disease causing). However, based on the available information, the clinical significance of the p.Arg4081Trp variant cannot be determined with certainty.

Laboratory for Molecular Medicine, Mass General Brigham Personalized Medicine
Classification: Uncertain significance. Last evaluated: 2016-02-21. Review status: criteria provided, single submitter. Criteria: LMM Criteria. Collection method: clinical testing. Allele origin: germline. Observed: 1 variant allele.
Comment: The p.Arg4081Trp variant in USH2A has not been previously reported in individual s with hearing loss or Usher syndrome, but has been identified in 28/121364 chro mosomes by the Exome Aggregation Consortium (ExAC, g; dbSNP rs144783615). Although this variant has been seen in the general popula tion, its frequency is not high enough to rule out a pathogenic role. Computatio nal prediction tools and conservation analysis suggest that this variant may imp act the protein, though this information is not predictive enough to determine p athogenicity. In summary, the clinical significance of the p.Arg4081Trp variant is uncertain.

Natera, Inc.
Classification: Uncertain significance for Usher syndrome type 2A. Last evaluated: 2020-01-17. Review status: no assertion criteria provided. Collection method: clinical testing. Allele origin: germline. Not counted in ClinVar's aggregate classification.

Literature cited by the submitters: PubMed 31904091 (cited by Women's Health and Genetics/Laboratory Corporation of America, LabCorp).

NM_206933.4(USH2A):c.12241C>T (p.Arg4081Trp)

Gene: USH2A (usherin; minus strand). Cytogenetic location: 1q41.
Variant type: single nucleotide variant.
Coding change: c.12241C>T on transcript NM_206933.4 (MANE Select); coding-DNA position 12241, C replaced by T.
Protein change: p.Arg4081Trp; replaces arginine 4081 with tryptophan.
Molecular consequence: missense variant.
Genome position (GRCh38, 1-based): chr1:215,680,202, G>A on the plus strand (C>T on the coding strand, the complement: USH2A is on the minus strand). VCF-style: chr1-215680202-G-A. GRCh37 (hg19) VCF-style: chr1-215853544-G-A.
Other names: short protein forms R4081W.
Identifiers: ClinVar variation 229617 (VCV000229617.32), dbSNP rs144783615, ClinGen allele CA1393518.